The following is an entry in ClinVar:

NM_001267550.2(TTN):c.75458_75459dup (p.Asn25154fs)

Genes: TTN-AS1 (TTN antisense RNA 1; plus strand), TTN (titin; minus strand). Cytogenetic location: 2q31.2.
Variant type: Duplication.
Coding change: c.75458_75459dup on transcript NM_001267550.2 (MANE Select); coding-DNA positions 75458 to 75459, 2 bases duplicated (CA; older notation c.75458_75459dupCA).
Protein change: p.Asn25154fs; shifts the reading frame from asparagine 25154.
Molecular consequence: frameshift variant.
Genome position (GRCh38, 1-based): chr2:178,570,673-178,570,674, TG duplicated on the plus strand (CA on the coding strand, the reverse complement: TTN is on the minus strand). VCF-style (leftmost placement, unchanged base first): chr2-178570672-T-TTG. GRCh37 (hg19) VCF-style: chr2-179435399-T-TTG.
Other names: c.70535_70536dup, p.Asn23513fs (NM_001256850.1); c.48263_48264dup, p.Asn16089fs (NM_003319.4); c.67754_67755dup, p.Asn22586fs (NM_133378.4); c.48638_48639dup, p.Asn16214fs (NM_133432.3); c.48839_48840dup, p.Asn16281fs (NM_133437.4); short protein forms N22586fs, N16089fs, N16214fs, N16281fs, N25154fs, N23513fs.
Identifiers: ClinVar variation 2954318 (VCV002954318.3), dbSNP rs1182279478, ClinGen allele CA761290427.

ClinVar aggregate classification (germline): Likely pathogenic (1 of 4 stars; one submission).

Conditions:
Autosomal recessive limb-girdle muscular dystrophy type 2J (LGMDR10). Also called: Limb-girdle muscular dystrophy, type 2J; MUSCULAR DYSTROPHY, LIMB-GIRDLE, AUTOSOMAL RECESSIVE 10. Identifiers: Orphanet 140922, MedGen C1837342, MONDO:0012127, OMIM 608807.
Dilated cardiomyopathy 1G (CMD1G). Identifiers: Orphanet 154, MedGen C1858763, MONDO:0011400, OMIM 604145.

Allele frequency attached by ClinVar (database versions not stated): TOPMed below 0.00001; gnomAD 0.00001.

Submission:

Labcorp Genetics (formerly Invitae), Labcorp
Classification: Likely pathogenic for Dilated cardiomyopathy 1G; Autosomal recessive limb-girdle muscular dystrophy type 2J. Last evaluated: 2023-12-20. Review status: criteria provided, single submitter. Criteria: Invitae Variant Classification Sherloc (09022015). Collection method: clinical testing. Allele origin: germline.
Comment: This sequence change creates a premature translational stop signal (p.Asn25154Glnfs*6) in the TTN gene. While this is not anticipated to result in nonsense mediated decay, it is expected to create a truncated TTN protein. This variant is not present in population databases (gnomAD no frequency). This variant has not been reported in the literature in individuals affected with TTN-related conditions. This variant is located in the A band of TTN (PMID: 25589632). Truncating variants in this region are significantly overrepresented in patients affected with dilated cardiomyopathy (PMID: 25589632). Truncating variants in this region have also been reported in individuals affected with autosomal recessive centronuclear myopathy (PMID: 23975875). In summary, the currently available evidence indicates that the variant is pathogenic, but additional data are needed to prove that conclusively. Therefore, this variant has been classified as Likely Pathogenic.

Literature cited by the submitters: PubMed 25589632; PubMed 23975875.